The following is an entry in ClinVar:

ClinVar aggregate classification (germline): Uncertain significance. Review status: criteria provided, multiple submitters, no conflicts (2 of 4 stars). 2 submissions from 2 submitters: Uncertain significance (2). Last evaluated 2025-07-30.

Conditions:
Inborn genetic diseases. Identifiers: MedGen C0950123, MeSH D030342.
Norman-Roberts syndrome (LIS2). Also called: Lissencephaly 2 (Norman-Roberts type). Identifiers: Orphanet 89844, MedGen C0796089, MONDO:0009760, OMIM 257320.
Familial temporal lobe epilepsy 7. Identifiers: Orphanet 101046, MedGen C4225327, MONDO:0014639, OMIM 616436.

Allele frequency attached by ClinVar (database versions not stated): ExAC 0.00001; gnomAD 0.00001; gnomAD exomes 0.00001; TOPMed 0.00001.
gnomAD v4.1: 10 of 1,613,940 alleles (0.00062%); highest among the groups gnomAD compares: Admixed American, 0.0017%; no homozygotes.

Submissions (2):

Labcorp Genetics (formerly Invitae), Labcorp
Classification: Uncertain significance for Familial temporal lobe epilepsy 7; Norman-Roberts syndrome. Last evaluated: 2025-07-30. Review status: criteria provided, single submitter. Criteria: Invitae Variant Classification Sherloc (09022015). Collection method: clinical testing. Allele origin: germline.
Comment: This sequence change replaces valine, which is neutral and non-polar, with glycine, which is neutral and non-polar, at codon 2419 of the RELN protein (p.Val2419Gly). This variant is present in population databases (rs777442978, gnomAD 0.003%). This variant has not been reported in the literature in individuals affected with RELN-related conditions. ClinVar contains an entry for this variant (Variation ID: 1055662). Invitae Evidence Modeling of protein sequence and biophysical properties (such as structural, functional, and spatial information, amino acid conservation, physicochemical variation, residue mobility, and thermodynamic stability) indicates that this missense variant is not expected to disrupt RELN protein function with a negative predictive value of 80%. In summary, the available evidence is currently insufficient to determine the role of this variant in disease. Therefore, it has been classified as a Variant of Uncertain Significance.

Ambry Genetics
Classification: Uncertain significance for Inborn genetic diseases. Last evaluated: 2025-05-19. Review status: criteria provided, single submitter. Criteria: Ambry Variant Classification Scheme 2023. Collection method: clinical testing. Allele origin: germline.

NM_005045.4(RELN):c.7256T>G (p.Val2419Gly)

Gene: RELN (reelin; minus strand). Cytogenetic location: 7q22.1.
Variant type: single nucleotide variant.
Coding change: c.7256T>G on transcript NM_005045.4 (MANE Select); coding-DNA position 7256, T replaced by G.
Protein change: p.Val2419Gly; replaces valine 2419 with glycine.
Molecular consequence: missense variant.
Genome position (GRCh38, 1-based): chr7:103,535,409, A>C on the plus strand (T>G on the coding strand, the complement: RELN is on the minus strand). VCF-style: chr7-103535409-A-C. GRCh37 (hg19) VCF-style: chr7-103175856-A-C.
Other names: c.7256T>G (NM_005045.3); c.7256T>G, p.Val2419Gly (NM_173054.3); short protein forms V2419G.
Identifiers: ClinVar variation 1055662 (VCV001055662.8), dbSNP rs777442978, ClinGen allele CA4420773.